The following is an entry in ClinVar:

NM_000043.6(FAS):c.566_568delinsACAAGAATT (p.Trp189_Val190delinsTyrLysAsnLeu)

Gene: FAS (Fas cell surface death receptor; plus strand). Cytogenetic location: 10q23.31.
Variant type: Indel.
Coding change: c.566_568delinsACAAGAATT on transcript NM_000043.6 (MANE Select); coding-DNA positions 566 to 568, GGG replaced by ACAAGAATT.
Protein change: p.Trp189_Val190delinsTyrLysAsnLeu.
Molecular consequence: inframe indel. On other transcripts: nonsense (1), non-coding transcript variant (5), intron variant (1).
Genome position (GRCh38, 1-based): chr10:89,010,813-89,010,815, GGG replaced by ACAAGAATT. VCF-style: chr10-89010813-GGG-ACAAGAATT. GRCh37 (hg19) VCF-style: chr10-90770570-GGG-ACAAGAATT.
Other names: c.566_568delinsACAAGAATT, p.Trp189_Gly190delinsTyrLysAsnTer (NM_001320619.2); c.566_568delinsACAAGAATT, p.Trp189_Val190delinsTyrLysAsnLeu (NM_152872.4); c.505+213_505+215delinsACAAGAATT (NM_152871.4).
Identifiers: ClinVar variation 581872 (VCV000581872.3), dbSNP rs1564695523, ClinGen allele CA891842496.

ClinVar aggregate classification (germline): Uncertain significance (1 of 4 stars; one submission).

Conditions:
Autoimmune lymphoproliferative syndrome type 1. Also called: AUTOIMMUNE LYMPHOPROLIFERATIVE SYNDROME, TYPE I, AUTOSOMAL DOMINANT. Identifiers: Orphanet 3261, MedGen C2717884, MONDO:0011158, OMIM 601859.

Submission:

Labcorp Genetics (formerly Invitae), Labcorp
Classification: Uncertain significance for Autoimmune lymphoproliferative syndrome. Last evaluated: 2021-01-08. Review status: criteria provided, single submitter. Criteria: Invitae Variant Classification Sherloc (09022015). Collection method: clinical testing. Allele origin: germline.
Comment: This variant, c.566_568delinsACAAGAATT, is a complex sequence change that results in the deletion of codons 189 and 190 and the insertion of 4 amino acids amino acid(s) in the FAS protein (p.Trp189_Val190delinsTyrLysAsnLeu). This variant also falls at the last nucleotide of exon 6, which is part of the consensus splice site for this exon. This variant is not present in population databases (ExAC no frequency). This variant has not been reported in the literature in individuals with FAS-related conditions. ClinVar contains an entry for this variant (Variation ID: 581872). Nucleotide substitutions within the consensus splice site are a relatively common cause of aberrant splicing (PMID: 17576681, 9536098). In summary, the available evidence is currently insufficient to determine the role of this variant in disease. Therefore, it has been classified as a Variant of Uncertain Significance.

Literature cited by the submitters: PubMed 17576681; PubMed 9536098.